The following is an entry in ClinVar:

ClinVar aggregate classification (germline): Uncertain significance (1 of 4 stars; one submission).

Conditions:
Bardet-Biedl syndrome (BBS). Identifiers: Orphanet 110, MedGen C0752166, MONDO:0015229.

Submission:

Labcorp Genetics (formerly Invitae), Labcorp
Classification: Uncertain significance for Bardet-Biedl syndrome. Last evaluated: 2024-06-22. Review status: criteria provided, single submitter. Criteria: Invitae Variant Classification Sherloc (09022015). Collection method: clinical testing. Allele origin: germline.
Comment: This sequence change replaces proline, which is neutral and non-polar, with serine, which is neutral and polar, at codon 270 of the TRIM32 protein (p.Pro270Ser). This variant is not present in population databases (gnomAD no frequency). This variant has not been reported in the literature in individuals affected with TRIM32-related conditions. An algorithm developed to predict the effect of missense changes on protein structure and function (PolyPhen-2) suggests that this variant is likely to be tolerated. In summary, the available evidence is currently insufficient to determine the role of this variant in disease. Therefore, it has been classified as a Variant of Uncertain Significance.

NM_012210.4(TRIM32):c.808C>T (p.Pro270Ser)

Genes: ASTN2 (astrotactin 2; minus strand), TRIM32 (tripartite motif containing 32; plus strand). Cytogenetic location: 9q33.1.
Variant type: single nucleotide variant.
Coding change: c.808C>T on transcript NM_012210.4 (MANE Select); coding-DNA position 808, C replaced by T.
Protein change: p.Pro270Ser; replaces proline 270 with serine.
Molecular consequence: missense variant. On other transcripts: intron variant (3).
Genome position (GRCh38, 1-based): chr9:116,698,550, C>T. VCF-style: chr9-116698550-C-T. GRCh37 (hg19) VCF-style: chr9-119460829-C-T.
Other names: c.808C>T, p.Pro270Ser (NM_001099679.2, NM_001379048.1, NM_001379049.1 and 1 more transcripts); c.2653+27221G>A (NM_014010.5); c.2794+27221G>A (NM_001365069.1); c.2806+27221G>A (NM_001365068.1); short protein forms P270S.
Identifiers: ClinVar variation 3657406 (VCV003657406.2).
Genomic context (GRCh38, chr9:116,698,550, plus strand): 5'-GATGTAGCACTACTGGAGGAGACAGCTGATGAGGAGGAGCCAGAGCTCACTGCCAGCTTG[C>T]CTCGGGAGCTCACCCTGCAAGATGTGGAGCTCCTTAAGGTAGGTCATGTTGGCCCCCTCC-3'
Protein context (NP_036342.2, residues 260-280): EEEPELTASL[Pro270Ser]RELTLQDVEL